The following is an entry in ClinVar:

ClinVar aggregate classification (germline): Uncertain significance (1 of 4 stars; one submission).

Conditions:
Duchenne muscular dystrophy (DMD). Also called: MUSCULAR DYSTROPHY, PSEUDOHYPERTROPHIC PROGRESSIVE, DUCHENNE TYPE; Duchenne Muscular Dystrophy (DMD). Identifiers: Orphanet 98896, MedGen C0013264, MONDO:0010679, OMIM 310200.

Submission:

Labcorp Genetics (formerly Invitae), Labcorp
Classification: Uncertain significance for Duchenne muscular dystrophy. Last evaluated: 2023-09-04. Review status: criteria provided, single submitter. Criteria: Invitae Variant Classification Sherloc (09022015). Collection method: clinical testing. Allele origin: unknown.
Comment: In summary, the available evidence is currently insufficient to determine the role of this variant in disease. Therefore, it has been classified as a Variant of Uncertain Significance. Experimental studies and prediction algorithms are not available or were not evaluated, and the functional significance of this variant is currently unknown. This variant has not been reported in the literature in individuals affected with DMD-related conditions. This variant results in a copy number gain of the genomic region encompassing exon(s) 3-13 of the DMD gene. While the exact position of this variant cannot be determined from the data, sub-genic copy number gains are generally in tandem (PMID: 25640679). This variant is predicted to be in-frame, and likely preserves the integrity of the reading frame.

Literature cited by the submitters: PubMed 25640679.

NC_000023.10:g.(?_32613854)_(32867957_?)dup

Gene: DMD (dystrophin; minus strand). Cytogenetic location: Xp21.1.
Variant type: Duplication.
Identifiers: ClinVar variation 3242976 (VCV003242976.1).